The following is an entry in ClinVar:

NM_001366722.1(GRIP1):c.1596del (p.Glu533fs)

Gene: GRIP1 (glutamate receptor interacting protein 1; minus strand). Cytogenetic location: 12q14.3.
Variant type: Deletion.
Coding change: c.1596del on transcript NM_001366722.1 (MANE Select); coding-DNA position 1596, one base deleted (A; older notation c.1596delA).
Protein change: p.Glu533fs; shifts the reading frame from glutamic acid 533.
Molecular consequence: frameshift variant.
Genome position (GRCh38, 1-based): chr12:66,444,675, T deleted on the plus strand (A on the coding strand, the reverse complement: GRIP1 is on the minus strand). VCF-style (leftmost placement, unchanged base first): chr12-66444674-CT-C. GRCh37 (hg19) VCF-style: chr12-66838454-CT-C.
Other names: c.1440del, p.Glu481fs (NM_001178074.2, NM_001379351.1, NM_021150.4); c.1515del, p.Glu506fs (NM_001366723.1, NM_001379348.1); c.1518del, p.Glu507fs (NM_001366724.1, NM_001379347.1); c.1674del, p.Glu559fs (NM_001379345.1); c.1596del, p.Glu533fs (NM_001379346.1, NM_001439323.1); c.1443del, p.Glu482fs (NM_001379349.1); c.1599del, p.Glu534fs (NM_001439322.1); short protein forms E481fs, E482fs, E506fs, E507fs, E533fs, E534fs, E559fs.
Identifiers: ClinVar variation 5015261 (VCV005015261.1).

ClinVar aggregate classification (germline): Pathogenic (1 of 4 stars; one submission).

Conditions:
Fraser syndrome 3. Identifiers: MedGen C4540040, MONDO:0054739, OMIM 617667.

Submission:

Myriad Genetics, Inc.
Classification: Pathogenic for Fraser syndrome 3. Last evaluated: 2025-11-25. Review status: criteria provided, single submitter. Criteria: Myriad Autosomal Dominant, Autosomal Recessive and X-Linked Classification Criteria (2023). Collection method: clinical testing. Allele origin: unknown.
Comment: NM_021150.3(GRIP1):c.1440delA(E481Kfs*42) is expected to be pathogenic in the context of Fraser syndrome, GRIP1-related. This variant is predicted to lead to an abnormal or absent protein product due to the creation of a premature termination codon in GRIP1, a gene where loss-of-function variants are known to be pathogenic. Please note: this variant was assessed in the context of healthy population screening.